The following is an entry in ClinVar:

ClinVar aggregate classification (germline): Likely benign (1 of 4 stars; one submission).

Submission:

Laboratory for Molecular Medicine, Mass General Brigham Personalized Medicine
Classification: Likely benign. Last evaluated: 2012-05-17. Review status: criteria provided, single submitter. Criteria: LMM Criteria. Collection method: clinical testing. Allele origin: germline. Observed: 1 variant allele.
Comment: Ala105Ala in exon 3 of PTPN11: This variant is not expected to have clinical sig nificance because it does not alter an amino acid residue and it is not located near a splice junction.

NM_002834.5(PTPN11):c.315A>T (p.Ala105=)

Gene: PTPN11 (protein tyrosine phosphatase non-receptor type 11; plus strand). Cytogenetic location: 12q24.13.
Variant type: single nucleotide variant.
Coding change: c.315A>T on transcript NM_002834.5 (MANE Select); coding-DNA position 315, A replaced by T.
Protein change: p.Ala105=; no amino-acid change (alanine 105 retained).
Molecular consequence: synonymous variant.
Genome position (GRCh38, 1-based): chr12:112,450,495, A>T. VCF-style: chr12-112450495-A-T. GRCh37 (hg19) VCF-style: chr12-112888299-A-T.
Other names: c.315A>T, p.Ala105= (NM_001330437.2, NM_080601.3); c.312A>T, p.Ala104= (NM_001374625.1).
Identifiers: ClinVar variation 44606 (VCV000044606.5), dbSNP rs397516804, ClinGen allele CA134662.